The following is an entry in ClinVar:

ClinVar aggregate classification (germline): Likely benign. Review status: criteria provided, multiple submitters, no conflicts (2 of 4 stars). 2 submissions from 2 submitters: Likely benign (2). Last evaluated 2025-05-27.

Conditions:
Ataxia-telangiectasia syndrome (AT). Also called: LOUIS-BAR SYNDROME; Cerebello-oculocutaneous telangiectasia; Immunodeficiency with ataxia telangiectasia; Ataxia-telangiectasia, complementation group D; AT, COMPLEMENTATION GROUP C; Ataxia-telangiectasia, complementation group E. Identifiers: Orphanet 100, MedGen C0004135, MONDO:0008840, OMIM 208900.
Familial cancer of breast. Also called: Hereditary breast cancer; BREAST CANCER, FAMILIAL; hereditary breast carcinoma. Identifiers: Orphanet 227535, MedGen C0346153, MONDO:0016419, OMIM 114480. Disease mechanism: loss of function.

Allele frequency attached by ClinVar (database versions not stated): TOPMed 0.00001.

Submissions (2):

Labcorp Genetics (formerly Invitae), Labcorp
Classification: Likely benign for Ataxia-telangiectasia syndrome. Last evaluated: 2025-05-27. Review status: criteria provided, single submitter. Criteria: Invitae Variant Classification Sherloc (09022015). Collection method: clinical testing. Allele origin: germline.

Myriad Genetics, Inc.
Classification: Likely benign for Familial cancer of breast. Last evaluated: 2024-06-20. Review status: criteria provided, single submitter. Criteria: Myriad Autosomal Dominant, Autosomal Recessive and X-Linked Classification Criteria (2023). Collection method: clinical testing. Allele origin: unknown.
Comment: This variant is considered likely benign. This variant is intronic and is not expected to impact mRNA splicing.

NM_000051.4(ATM):c.8671+9T>C

Genes: ATM (ATM serine/threonine kinase; plus strand), C11orf65 (chromosome 11 open reading frame 65; minus strand). Cytogenetic location: 11q22.3.
Variant type: single nucleotide variant.
Coding change: c.8671+9T>C on transcript NM_000051.4 (MANE Select); 9 bases into the intron after coding-DNA position 8671, T replaced by C.
Molecular consequence: intron variant.
Genome position (GRCh38, 1-based): chr11:108,347,374, T>C. VCF-style: chr11-108347374-T-C. GRCh37 (hg19) VCF-style: chr11-108218101-T-C.
Other names: c.8671+9T>C (NM_001351834.2); c.641-38303A>G (NM_001330368.2); c.695-12082A>G (NM_001351110.2).
Identifiers: ClinVar variation 453741 (VCV000453741.13), dbSNP rs200190537, ClinGen allele CA601698942.
Genomic context (GRCh38, chr11:108,347,374, plus strand): 5'-CAGAATATCTTGATAAATGAGCAGTCAGCAGAACTTGTACATATAGATCTAGGTAAGTAA[T>C]AAAATCTATGTATCTATTCTTTTTAGTAAATATTTGGTCATCATGGAATGTTGTTTGCCT-3'